The following is an entry in ClinVar:

NM_001367624.2(ZNF469):c.5023G>A (p.Ala1675Thr)

Gene: ZNF469 (zinc finger protein 469; plus strand). Cytogenetic location: 16q24.2.
Variant type: single nucleotide variant.
Coding change: c.5023G>A on transcript NM_001367624.2 (MANE Select); coding-DNA position 5023, G replaced by A.
Protein change: p.Ala1675Thr; replaces alanine 1675 with threonine.
Molecular consequence: missense variant.
Genome position (GRCh38, 1-based): chr16:88,432,493, G>A. VCF-style: chr16-88432493-G-A. GRCh37 (hg19) VCF-style: chr16-88498901-G-A.
Other names: short protein forms A1675T.
Identifiers: ClinVar variation 2096437 (VCV002096437.4), dbSNP rs2507589443, ClinGen allele CA397094911.

ClinVar aggregate classification (germline): Uncertain significance (1 of 4 stars; one submission).

Submission:

Labcorp Genetics (formerly Invitae), Labcorp
Classification: Uncertain significance. Last evaluated: 2022-02-11. Review status: criteria provided, single submitter. Criteria: Invitae Variant Classification Sherloc (09022015). Collection method: clinical testing. Allele origin: germline.
Comment: This sequence change replaces alanine, which is neutral and non-polar, with threonine, which is neutral and polar, at codon 1647 of the ZNF469 protein (p.Ala1647Thr). This variant is not present in population databases (gnomAD no frequency). This variant has not been reported in the literature in individuals affected with ZNF469-related conditions. Algorithms developed to predict the effect of missense changes on protein structure and function output the following: SIFT: "Tolerated"; PolyPhen-2: "Benign"; Align-GVGD: "Class C0". The threonine amino acid residue is found in multiple mammalian species, which suggests that this missense change does not adversely affect protein function. In summary, the available evidence is currently insufficient to determine the role of this variant in disease. Therefore, it has been classified as a Variant of Uncertain Significance.